The following is an entry in ClinVar:

ClinVar aggregate classification (germline): Likely benign (1 of 4 stars; one submission).

gnomAD v4.1: 1 of 1,607,852 alleles (0.000062%); highest among the groups gnomAD compares: East Asian, 0.0022%; no homozygotes.

Submission:

CeGaT Center for Human Genetics Tuebingen
Classification: Likely benign. Last evaluated: 2022-12-01. Review status: criteria provided, single submitter. Criteria: CeGaT Center For Human Genetics Tuebingen Variant Classification Criteria Version 2. Collection method: clinical testing. Allele origin: germline. Affected: yes. Observed: 1 variant allele.
Comment: MUC5B: PM2:Supporting, BP4, BP7

NM_002458.3(MUC5B):c.9918C>T (p.Thr3306=)

Genes: MUC5B (mucin 5B, oligomeric mucus/gel-forming; plus strand), MUC5B-AS1 (MUC5B antisense RNA 1; minus strand). Cytogenetic location: 11p15.5.
Variant type: single nucleotide variant.
Coding change: c.9918C>T on transcript NM_002458.3 (MANE Select); coding-DNA position 9918, C replaced by T.
Protein change: p.Thr3306=; no amino-acid change (threonine 3306 retained).
Molecular consequence: synonymous variant.
Genome position (GRCh38, 1-based): chr11:1,246,798, C>T. VCF-style: chr11-1246798-C-T. GRCh37 (hg19) VCF-style: chr11-1268028-C-T.
Identifiers: ClinVar variation 2641259 (VCV002641259.24), dbSNP rs1862486176, ClinGen allele CA472452591.